The following is an entry in ClinVar:

ClinVar aggregate classification (germline): Conflicting classifications of pathogenicity. Review status: criteria provided, conflicting classifications (1 of 4 stars). 3 submissions from 3 submitters: Uncertain significance (2); Likely benign (1). Last evaluated 2025-10-13.

Conditions:
Hereditary cancer-predisposing syndrome. Also called: Hereditary Cancer Syndrome; Hereditary neoplastic syndrome; Neoplastic Syndromes, Hereditary; Tumor predisposition. Identifiers: Orphanet 140162, MedGen C0027672, MeSH D009386, MONDO:0015356.
Hereditary breast ovarian cancer syndrome. Also called: Hereditary breast and ovarian cancer; BRCA1- and BRCA2-Associated Hereditary Breast and Ovarian Cancer; Hereditary breast and ovarian cancer syndrome (HBOC); Hereditary breast and ovarian cancer syndrome; Breast and ovarian cancer; Hereditary breast and/or ovarian cancer syndrome. Identifiers: Orphanet 145, MedGen C0677776, MeSH D061325, MONDO:0003582. Disease mechanism: loss of function.

Submissions (3):

Labcorp Genetics (formerly Invitae), Labcorp
Classification: Uncertain significance for Hereditary breast ovarian cancer syndrome. Last evaluated: 2025-10-13. Review status: criteria provided, single submitter. Criteria: Invitae Variant Classification Sherloc (09022015). Collection method: clinical testing. Allele origin: germline.
Comment: This sequence change replaces asparagine, which is neutral and polar, with serine, which is neutral and polar, at codon 329 of the BRCA1 protein (p.Asn329Ser). This variant is not present in population databases (gnomAD no frequency). This variant has not been reported in the literature in individuals affected with BRCA1-related conditions. ClinVar contains an entry for this variant (Variation ID: 1768440). Invitae Evidence Modeling of protein sequence and biophysical properties (such as structural, functional, and spatial information, amino acid conservation, physicochemical variation, residue mobility, and thermodynamic stability) indicates that this missense variant is not expected to disrupt BRCA1 protein function with a negative predictive value of 80%. In summary, the available evidence is currently insufficient to determine the role of this variant in disease. Therefore, it has been classified as a Variant of Uncertain Significance.

University of Washington Department of Laboratory Medicine, University of Washington
Classification: Likely benign for Hereditary cancer-predisposing syndrome. Last evaluated: 2023-03-23. Review status: criteria provided, single submitter. Criteria: Dines et al. (Genet Med. 2020). Collection method: curation. Allele origin: germline.
Comment: Missense variant in a coldspot region where missense variants are very unlikely to be pathogenic (PMID:31911673).

BRCA1 coldspot (exon 11 using historical exon numbering). Reclassification based on statistical prior probability

Ambry Genetics
Classification: Uncertain significance for Hereditary cancer-predisposing syndrome. Last evaluated: 2022-06-03. Review status: criteria provided, single submitter. Criteria: Ambry Variant Classification Scheme 2023. Collection method: clinical testing. Allele origin: germline.
Comment: The p.N329S variant (also known as c.986A>G), located in coding exon 9 of the BRCA1 gene, results from an A to G substitution at nucleotide position 986. The asparagine at codon 329 is replaced by serine, an amino acid with highly similar properties. This amino acid position is not well conserved in available vertebrate species. In addition, the in silico prediction for this alteration is inconclusive. Since supporting evidence is limited at this time, the clinical significance of this alteration remains unclear.

NM_007294.4(BRCA1):c.986A>G (p.Asn329Ser)

Gene: BRCA1 (BRCA1 DNA repair associated; minus strand). Cytogenetic location: 17q21.31.
Variant type: single nucleotide variant.
Coding change: c.986A>G on transcript NM_007294.4 (MANE Select); coding-DNA position 986, A replaced by G.
Protein change: p.Asn329Ser; replaces asparagine 329 with serine.
Molecular consequence: missense variant. On other transcripts: intron variant (137).
Genome position (GRCh38, 1-based): chr17:43,094,545, T>C on the plus strand (A>G on the coding strand, the complement: BRCA1 is on the minus strand). VCF-style: chr17-43094545-T-C. GRCh37 (hg19) VCF-style: chr17-41246562-T-C.
Other names: c.986A>G, p.Asn329Ser (NM_001407652.1, NM_001407620.1, NM_001407621.1 and 30 more transcripts); c.784+199A>G (NM_001408402.1, NM_001407984.1, NM_001408473.1 and 13 more transcripts); c.664+199A>G (NM_001408425.1, NM_001408443.1, NM_001408439.1 and 12 more transcripts); c.908A>G, p.Asn303Ser (NM_001407655.1, NM_001407656.1, NM_001407653.1 and 4 more transcripts); c.983A>G, p.Asn328Ser (NM_001407627.1, NM_001407628.1, NM_001407629.1 and 22 more transcripts); c.977A>G, p.Asn326Ser (NM_001407646.1, NM_001407647.1); c.863A>G, p.Asn288Ser (NM_001407648.1, NM_001407664.1, NM_001407665.1 and 19 more transcripts); c.860A>G, p.Asn287Ser (NM_001407649.1, NM_001407670.1, NM_001407671.1 and 11 more transcripts); and 40 more; short protein forms N161S, N201S, N217S, N241S, N258S, N282S, N288S, N328S.
Identifiers: ClinVar variation 1768440 (VCV001768440.5), dbSNP rs2154481138, ClinGen allele CA10600086.
Genomic context (GRCh38, chr17:43,094,545, plus strand): 5'-TCACACAGGGGATCAGCATTCAGATCTACCTTTTTTTCTGTGCTGGGAGTCCGCCTATCA[T>C]TACATGTTTCCTTACTTCCAGCCCATCTGTTATGTTGGCTCCTTGCTAAGCCAGGCTGTT-3'
Protein context (NP_009225.1, residues 319-339): NRWAGSKETC[Asn329Ser]DRRTPSTEKK